The following is an entry in ClinVar:

ClinVar aggregate classification (germline): Pathogenic (1 of 4 stars; one submission).

Conditions:
Brittle cornea syndrome 1 (BCS1). Also called: Corneal fragility keratoglobus, blue sclerae AND joint hypermobility; DYSGENESIS MESODERMALIS CORNEAE ET SCLERAE; CORNEAL FRAGILITY, KERATOGLOBUS, BLUE SCLERAE, JOINT HYPEREXTENSIBILITY; EDS6B; FRAGILITAS OCULI WITH JOINT HYPEREXTENSIBILITY. Identifiers: Orphanet 90354, MedGen C0268344, MONDO:0024543, OMIM 229200.

Submission:

Women's Health and Genetics/Laboratory Corporation of America, LabCorp
Classification: Pathogenic for Brittle cornea syndrome 1. Last evaluated: 2026-03-06. Review status: criteria provided, single submitter. Criteria: LabCorp Variant Classification Summary - May 2015. Collection method: clinical testing. Allele origin: germline.
Comment: Variant summary: ZNF469 c.6749dupT (p.Leu2250PhefsX47) results in a premature termination codon predicted to cause a truncation of the encoded protein; however, nonsense mediated decay is not expected to occur. The variant was absent in 153546 control chromosomes. To our knowledge, no occurrence of c.6749dupT in individuals affected with ZNF469-related conditions and no experimental evidence demonstrating its impact on protein function have been reported. At least one downstream variant has been classified as Pathogenic (c.9268C>T/p.Arg3090X) by our lab, providing evidence that the region altered by the variant is critical to protein function. No submitters have cited clinical-significance assessments for this variant to ClinVar. Based on the evidence outlined above, the variant was classified as pathogenic.

NM_001367624.2(ZNF469):c.6749dup (p.Leu2250fs)

Gene: ZNF469 (zinc finger protein 469; plus strand). Cytogenetic location: 16q24.2.
Variant type: Duplication.
Coding change: c.6749dup on transcript NM_001367624.2 (MANE Select); coding-DNA position 6749, one base duplicated (T; older notation c.6749dupT).
Protein change: p.Leu2250fs; shifts the reading frame from leucine 2250.
Molecular consequence: frameshift variant.
Genome position (GRCh38, 1-based): chr16:88,434,219, T duplicated; the last of 3 consecutive T bases (chr16:88,434,217-88,434,219); duplicating any one gives the same sequence. VCF-style (leftmost placement, unchanged base first): chr16-88434216-C-CT. GRCh37 (hg19) VCF-style: chr16-88500624-C-CT.
Other names: c.6749dupT (NM_001367624.2); short protein forms L2250fs.
Identifiers: ClinVar variation 4847422 (VCV004847422.1).
Genomic context (GRCh38, chr16:88,434,216, plus strand): 5'-CTCCTGGCTCCGTCAGTGCTGTAACCTGCACTCACAGTGGGGACACCCCCAAAGACAGCA[C>CT]TTTAAGAATTCCAGAGGATTCCAGAAAAGAGAAGCTGTGGGAGTCTCCTGGCCGAGCCAC-3'